The following is an entry in ClinVar:

ClinVar aggregate classification (germline): Uncertain significance (1 of 4 stars; one submission).

Conditions:
ABCA3-related disorder. Also called: ABCA3-related condition.

gnomAD v4.1: 22 of 1,613,388 alleles (0.0014%); highest among the groups gnomAD compares: South Asian, 0.0066%; no homozygotes.

Submission:

PreventionGenetics, part of Exact Sciences
Classification: Uncertain significance for ABCA3-related condition. Last evaluated: 2025-10-01. Review status: criteria provided, single submitter. Criteria: ACMG Guidelines, 2015. Collection method: clinical testing. Allele origin: germline.
Comment: The ABCA3 c.823G>A variant is predicted to result in the amino acid substitution p.Ala275Thr. To our knowledge, this variant has not been reported in the literature. This variant is reported in 0.015% of alleles in individuals of East Asian descent in gnomAD. At this time, the clinical significance of this variant is uncertain due to the absence of conclusive functional and genetic evidence.

NM_001089.3(ABCA3):c.823G>A (p.Ala275Thr)

Gene: ABCA3 (ATP binding cassette subfamily A member 3; minus strand). Cytogenetic location: 16p13.3.
Variant type: single nucleotide variant.
Coding change: c.823G>A on transcript NM_001089.3 (MANE Select); coding-DNA position 823, G replaced by A.
Protein change: p.Ala275Thr; replaces alanine 275 with threonine.
Molecular consequence: missense variant.
Genome position (GRCh38, 1-based): chr16:2,319,631, C>T on the plus strand (G>A on the coding strand, the complement: ABCA3 is on the minus strand). VCF-style: chr16-2319631-C-T. GRCh37 (hg19) VCF-style: chr16-2369632-C-T.
Other names: short protein forms A275T.
Identifiers: ClinVar variation 4989184 (VCV004989184.1).